The following is an entry in ClinVar:

ClinVar aggregate classification (germline): Uncertain significance (1 of 4 stars; one submission).

Allele frequency attached by ClinVar (database versions not stated): ExAC 0.00001; gnomAD exomes 0.00001; TOPMed 0.00002; gnomAD 0.00003.

Submission:

Women's Health and Genetics/Laboratory Corporation of America, LabCorp
Classification: Uncertain significance. Last evaluated: 2023-11-14. Review status: criteria provided, single submitter. Criteria: LabCorp Variant Classification Summary - May 2015. Collection method: clinical testing. Allele origin: germline.
Comment: Variant summary: RASGRP2 c.456C>G (p.His152Gln) results in a non-conservative amino acid change located in the Ras guanine-nucleotide exchange factors catalytic domain (IPR001895) of the encoded protein sequence. Three of five in-silico tools predict a damaging effect of the variant on protein function. The variant allele was found at a frequency of 4e-06 in 251398 control chromosomes. The available data on variant occurrences in the general population are insufficient to allow any conclusion about variant significance. To our knowledge, no occurrence of c.456C>G in individuals affected with Platelet-Type Bleeding Disorder 18 and no experimental evidence demonstrating its impact on protein function have been reported. No submitters have cited clinical-significance assessments for this variant to ClinVar after 2014. Based on the evidence outlined above, the variant was classified as uncertain significance.

NM_001098671.2(RASGRP2):c.456C>G (p.His152Gln)

Gene: RASGRP2 (RAS guanyl releasing protein 2; minus strand). Cytogenetic location: 11q13.1.
Variant type: single nucleotide variant.
Coding change: c.456C>G on transcript NM_001098671.2 (MANE Select); coding-DNA position 456, C replaced by G.
Protein change: p.His152Gln; replaces histidine 152 with glutamine.
Molecular consequence: missense variant.
Genome position (GRCh38, 1-based): chr11:64,740,079, G>C on the plus strand (C>G on the coding strand, the complement: RASGRP2 is on the minus strand). VCF-style: chr11-64740079-G-C. GRCh37 (hg19) VCF-style: chr11-64507551-G-C.
Other names: c.456C>G, p.His152Gln (NM_001098670.2, NM_153819.2); c.21C>G, p.His7Gln (NM_001318398.2); short protein forms H152Q, H7Q.
Identifiers: ClinVar variation 2682523 (VCV002682523.1), dbSNP rs769228103, ClinGen allele CA6079221.